The following is an entry in ClinVar:

ClinVar aggregate classification (germline): Pathogenic (1 of 4 stars; one submission).

Conditions:
Severe combined immunodeficiency due to DCLRE1C deficiency (RS-SCID). Also called: SCID, AUTOSOMAL RECESSIVE, T CELL-NEGATIVE, B CELL-NEGATIVE, NK CELL-POSITIVE, WITH SENSITIVITY TO IONIZING RADIATION. Identifiers: Orphanet 275, MedGen C1865371, MONDO:0011225, OMIM 602450.

Submission:

Labcorp Genetics (formerly Invitae), Labcorp
Classification: Pathogenic for Severe combined immunodeficiency due to DCLRE1C deficiency. Last evaluated: 2019-07-28. Review status: criteria provided, single submitter. Criteria: Invitae Variant Classification Sherloc (09022015). Collection method: clinical testing. Allele origin: germline.
Comment: This variant is a gross deletion of the genomic region encompassing exons 1-6 of the DCLRE1C gene, which includes the initiator codon. The 5' end of this event is unknown as it extends beyond the assayed region for this gene and therefore may encompass additional genes. The 3' boundary is likely confined to intron 6 of the DCLRE1C gene. This is expected to result in an absent or disrupted protein product. This variant has not been reported in the literature in individuals with DCLRE1C-related conditions. Loss-of-function variants in DCLRE1C are known to be pathogenic (PMID: 21664875, 26123418). For these reasons, this variant has been classified as Pathogenic.

NC_000010.11:g.14935443_14954030del

Gene: DCLRE1C (DNA cross-link repair 1C; minus strand).
Variant type: Deletion.
Identifiers: ClinVar variation 944601 (VCV000944601.1).